The following is an entry in ClinVar:

ClinVar aggregate classification (germline): Conflicting classifications of pathogenicity. Review status: criteria provided, conflicting classifications (1 of 4 stars). 8 submissions from 8 submitters: Likely pathogenic (1); Uncertain significance (6); Likely benign (1). Last evaluated 2026-01-18.

Conditions:
Ovarian cancer. Also called: OVARIAN CANCER, SOMATIC. Identifiers: Orphanet 213500, MedGen C1140680, MONDO:0008170, OMIM 167000.
Tuberous sclerosis syndrome (TSC). Also called: Tuberous Sclerosis Complex; Tuberous sclerosis. Identifiers: Orphanet 805, MedGen C0041341, MONDO:0001734.
Hereditary cancer-predisposing syndrome. Also called: Neoplastic Syndromes, Hereditary; Tumor predisposition; Hereditary Cancer Syndrome; Hereditary neoplastic syndrome. Identifiers: Orphanet 140162, MedGen C0027672, MeSH D009386, MONDO:0015356.
Isolated focal cortical dysplasia type II (FCORD2). Also called: Focal cortical dysplasia type II; CORTICAL DYSPLASIA OF TAYLOR. Identifiers: Orphanet 268994, MedGen C1846385, MONDO:0011818, OMIM 607341, HP:0032051.
Tuberous sclerosis 2 (TSC2). Identifiers: Orphanet 805, MedGen C1860707, MONDO:0013199, OMIM 613254.

Allele frequency attached by ClinVar (database versions not stated): gnomAD exomes below 0.00001; ExAC 0.00001; TOPMed 0.00001.
gnomAD v4.1: 2 of 1,612,586 alleles (0.00012%); highest among the groups gnomAD compares: East Asian, 0.0022%; no homozygotes.

Submissions (8):

Labcorp Genetics (formerly Invitae), Labcorp
Classification: Likely benign for Tuberous sclerosis 2. Last evaluated: 2026-01-18. Review status: criteria provided, single submitter. Criteria: Invitae Variant Classification Sherloc (09022015). Collection method: clinical testing. Allele origin: germline.

Ambry Genetics
Classification: Uncertain significance for Hereditary cancer-predisposing syndrome. Last evaluated: 2025-11-15. Review status: criteria provided, single submitter. Criteria: Ambry Variant Classification Scheme 2023. Collection method: clinical testing. Allele origin: germline.
Comment: The p.A1560T variant (also known as c.4678G>A), located in coding exon 36 of the TSC2 gene, results from a G to A substitution at nucleotide position 4678. The alanine at codon 1560 is replaced by threonine, an amino acid with similar properties. This amino acid position is highly conserved in available vertebrate species. In addition, this alteration is predicted to be deleterious by in silico analysis. Since supporting evidence is limited at this time, the clinical significance of this alteration remains unclear.

GeneDx
Classification: Uncertain significance. Last evaluated: 2024-12-27. Review status: criteria provided, single submitter. Criteria: GeneDx Variant Classification Process June 2021. Collection method: clinical testing. Allele origin: germline. Affected: yes.
Comment: In silico analysis supports that this missense variant does not alter protein structure/function; This variant is associated with the following publications: (PMID: 18466115, 38256219)

Baylor Genetics
Classification: Uncertain significance for Isolated focal cortical dysplasia type II. Last evaluated: 2024-02-29. Review status: criteria provided, single submitter. Criteria: ACMG Guidelines, 2015. Collection method: clinical testing. Allele origin: unknown.

All of Us Research Program, National Institutes of Health
Classification: Uncertain significance for Tuberous sclerosis syndrome. Last evaluated: 2023-12-01. Review status: criteria provided, single submitter. Criteria: ACMG Guidelines, 2015. Collection method: clinical testing. Allele origin: germline. Inheritance: Autosomal dominant inheritance. Observed: 1 variant allele, 1 heterozygote.
Comment: This study involves interpretation of variants in research participants for the purpose of population health screening. Participant phenotype was not available at the time of variant classification. Additional details can be found in publication PMID: 35346344, PMCID: PMC8962531

Laboratory of Molecular Epidemiology of Birth Defects, West China Second University Hospital, Sichuan University
Classification: Likely pathogenic for Ovarian cancer. Last evaluated: 2022-01-01. Review status: criteria provided, single submitter. Criteria: ACMG Guidelines, 2015. Collection method: clinical testing. Allele origin: germline. Affected: yes.

Genome-Nilou Lab
Classification: Uncertain significance for Tuberous sclerosis 2. Last evaluated: 2021-11-07. Review status: criteria provided, single submitter. Criteria: ACMG Guidelines, 2015. Collection method: clinical testing. Allele origin: germline. Affected: no.

Institute for Clinical Genetics, University Hospital TU Dresden, University Hospital TU Dresden
Classification: Uncertain significance. Last evaluated: 2021-11-03. Review status: criteria provided, single submitter. Criteria: ACMG Guidelines, 2015. Collection method: clinical testing. Allele origin: germline.

NM_000548.5(TSC2):c.4678G>A (p.Ala1560Thr)

Gene: TSC2 (TSC complex subunit 2; plus strand). Cytogenetic location: 16p13.3.
Variant type: single nucleotide variant.
Coding change: c.4678G>A on transcript NM_000548.5 (MANE Select); coding-DNA position 4678, G replaced by A.
Protein change: p.Ala1560Thr; replaces alanine 1560 with threonine.
Molecular consequence: missense variant.
Genome position (GRCh38, 1-based): chr16:2,086,208, G>A. VCF-style: chr16-2086208-G-A. GRCh37 (hg19) VCF-style: chr16-2136209-G-A.
Other names: c.4477G>A, p.Ala1493Thr (NM_001077183.3); c.4609G>A, p.Ala1537Thr (NM_001114382.3); c.4369G>A, p.Ala1457Thr (NM_001318827.2); c.4333G>A, p.Ala1445Thr (NM_001318829.2); c.3946G>A, p.Ala1316Thr (NM_001318831.2); c.4510G>A, p.Ala1504Thr (NM_001318832.2); c.4480G>A, p.Ala1494Thr (NM_001363528.2); c.4546G>A, p.Ala1516Thr (NM_001370404.1); and 2 more; short protein forms A1560T, A1445T, A1457T, A1504T, A1316T, A1493T, A1516T, A1517T.
Identifiers: ClinVar variation 535895 (VCV000535895.29), dbSNP rs777539610, ClinGen allele CA052272.